The following is an entry in ClinVar:

NM_001042492.3(NF1):c.*4T>C

Gene: NF1 (neurofibromin 1; plus strand). Cytogenetic location: 17q11.2.
Variant type: single nucleotide variant.
Coding change: c.*4T>C on transcript NM_001042492.3 (MANE Select); 4 bases downstream of the stop codon, T replaced by C.
Molecular consequence: 3 prime UTR variant.
Genome position (GRCh38, 1-based): chr17:31,374,159, T>C. VCF-style: chr17-31374159-T-C. GRCh37 (hg19) VCF-style: chr17-29701177-T-C.
Other names: c.*4T>C (NM_000267.4).
Identifiers: ClinVar variation 184532 (VCV000184532.37), dbSNP rs201044568, ClinGen allele CA189220.

ClinVar aggregate classification (germline): Benign/Likely benign. Review status: criteria provided, multiple submitters, no conflicts (2 of 4 stars). 18 submissions from 15 submitters: Benign (10); Likely benign (8). Last evaluated 2026-05-26.

Conditions:
Hereditary cancer-predisposing syndrome. Also called: Tumor predisposition; Neoplastic Syndromes, Hereditary; Hereditary neoplastic syndrome; Hereditary Cancer Syndrome. Identifiers: Orphanet 140162, MedGen C0027672, MeSH D009386, MONDO:0015356.
Neurofibromatosis-Noonan syndrome (NFNS). Also called: NEUROFIBROMATOSIS WITH NOONAN PHENOTYPE. Identifiers: Orphanet 638, MedGen C2931482, MONDO:0011035, OMIM 601321. Disease mechanism: loss of function.
Café-au-lait macules with pulmonary stenosis (WTSN). Also called: PULMONIC STENOSIS WITH CAFE-AU-LAIT SPOTS. Identifiers: MedGen C0553586, MONDO:0008672, OMIM 193520.
Neurofibromatosis, familial spinal (FSNF). Identifiers: Orphanet 636, MedGen C1834235, MONDO:0008078, OMIM 162210. Disease mechanism: loss of function.
Neurofibromatosis, type 1 (NF1). Also called: NEUROFIBROMATOSIS, TYPE I, SOMATIC; Peripheral type neurofibromatosis; VON RECKLINGHAUSEN DISEASE; Neurofibromatosis, type I. Identifiers: Orphanet 636, MedGen C0027831, MONDO:0018975, OMIM 162200. Disease mechanism: loss of function.

Allele frequency attached by ClinVar (database versions not stated): gnomAD 0.00003 and 0.00074; TOPMed 0.00018; gnomAD exomes 0.00118 and 0.00249; ExAC 0.00285; 1000 Genomes Project 30x 0.00515; 1000 Genomes Project 0.00579.
gnomAD v4.1: 1,847 of 1,613,986 alleles (0.11%); highest among the groups gnomAD compares: South Asian, 1.9%; 22 homozygotes.

Submissions (18):

Myriad Genetics, Inc.
Classification: Benign for Neurofibromatosis, type 1. Last evaluated: 2026-05-26. Review status: criteria provided, single submitter. Criteria: Myriad Autosomal Dominant, Autosomal Recessive and X-Linked Classification Criteria (2023). Collection method: clinical testing. Allele origin: unknown.
Comment: This variant is considered benign. This variant occurs in the non-coding 3' untranslated region of the gene, and is not expected to impact protein function.

Blueprint Genetics
Classification: Likely benign. Last evaluated: 2024-11-27. Review status: criteria provided, single submitter. Criteria: ACMG Guidelines, 2015. Collection method: clinical testing. Allele origin: germline.

GeneDx
Classification: Likely benign. Last evaluated: 2024-10-25. Review status: criteria provided, single submitter. Criteria: GeneDx Variant Classification Process June 2021. Collection method: clinical testing. Allele origin: germline. Affected: yes.
Comment: See Variant Classification Assertion Criteria.

Institute for Biomarker Research, Medical Diagnostic Laboratories, L.L.C.
Classification: Benign for Hereditary cancer-predisposing syndrome. Last evaluated: 2024-02-20. Review status: criteria provided, single submitter. Criteria: ACMG Guidelines, 2015. Collection method: clinical testing. Allele origin: germline.

Department of Pathology and Laboratory Medicine, Sinai Health System
Classification: Benign for Neurofibromatosis, type 1. Last evaluated: 2022-10-07. Review status: criteria provided, single submitter. Criteria: ACMG Guidelines, 2015. Collection method: clinical testing. Allele origin: germline. Affected: yes.

Genome-Nilou Lab
Classification: Benign for Neurofibromatosis, type 1. Last evaluated: 2022-03-15. Review status: criteria provided, single submitter. Criteria: ACMG Guidelines, 2015. Collection method: clinical testing. Allele origin: germline. Affected: no.

Women's Health and Genetics/Laboratory Corporation of America, LabCorp
Classification: Benign. Last evaluated: 2021-04-04. Review status: criteria provided, single submitter. Criteria: LabCorp Variant Classification Summary - May 2015. Collection method: clinical testing. Allele origin: germline.
Comment: Variant summary: NF1 c.*4T>C is located in the untranslated mRNA region downstream of the termination codon. The variant allele was found at a frequency of 0.0025 in 251374 control chromosomes in the gnomAD database, including 6 homozygotes. The observed variant frequency is approximately 12 fold of the estimated maximal expected allele frequency for a pathogenic variant in NF1 causing Neurofibromatosis Type 1 phenotype (0.00021), strongly suggesting that the variant is benign. To our knowledge, no occurrence of c.*4T>C in individuals affected with Neurofibromatosis Type 1 and no experimental evidence demonstrating its impact on protein function have been reported. Seven clinical diagnostic laboratories have submitted clinical-significance assessments for this variant to ClinVar after 2014 without evidence for independent evaluation. All laboratories classified the variant as benign (n=5)/likely benign (n=2). Based on the evidence outlined above, the variant was classified as benign.

Genome Diagnostics Laboratory, The Hospital for Sick Children
Classification: Benign for Neurofibromatosis, type 1. Last evaluated: 2020-10-26. Review status: criteria provided, single submitter. Criteria: ACMG Guidelines, 2015. Collection method: clinical testing. Allele origin: germline. Affected: yes.

ARUP Laboratories, Molecular Genetics and Genomics, ARUP Laboratories
Classification: Benign. Last evaluated: 2019-04-19. Review status: criteria provided, single submitter. Criteria: ARUP Molecular Germline Variant Investigation Process. Collection method: clinical testing. Allele origin: germline.

Laboratory for Molecular Medicine, Mass General Brigham Personalized Medicine
Classification: Benign. Last evaluated: 2018-12-28. Review status: criteria provided, single submitter. Criteria: LMM Criteria. Collection method: clinical testing. Allele origin: germline. Observed: 1 variant allele.
Comment: c.*4T>C in exon 58 of NF1: This variant is not expected to have clinical significance because it has been identified in 2.07% (341/16504) of South Asian chromosomes by the Exome Aggregation Consortium (ExAC; dbSNP rs201044568).

Illumina Laboratory Services, Illumina
Classification: Likely benign for Café-au-lait macules with pulmonary stenosis. Last evaluated: 2017-04-27. Review status: criteria provided, single submitter. Criteria: ICSL Variant Classification Criteria 13 December 2019. Collection method: clinical testing. Allele origin: germline.
Comment: This variant was observed as part of a predisposition screen in an ostensibly healthy population. A literature search was performed for the gene, cDNA change, and amino acid change (where applicable). No publications were found based on this search. Allele frequency data from public databases allowed determination this variant is unlikely to cause disease. Therefore, this variant is classified as likely benign.

Illumina Laboratory Services, Illumina
Classification: Likely benign for Neurofibromatosis, type 1. Last evaluated: 2017-04-27. Review status: criteria provided, single submitter. Criteria: ICSL Variant Classification Criteria 13 December 2019. Collection method: clinical testing. Allele origin: germline.
Comment: the same text as in the submission from Illumina Laboratory Services, Illumina above.

Illumina Laboratory Services, Illumina
Classification: Likely benign for Neurofibromatosis-Noonan syndrome. Last evaluated: 2017-04-27. Review status: criteria provided, single submitter. Criteria: ICSL Variant Classification Criteria 13 December 2019. Collection method: clinical testing. Allele origin: germline.
Comment: the same text as in the submission from Illumina Laboratory Services, Illumina above.

Illumina Laboratory Services, Illumina
Classification: Likely benign for Neurofibromatosis, familial spinal. Last evaluated: 2017-04-27. Review status: criteria provided, single submitter. Criteria: ICSL Variant Classification Criteria 13 December 2019. Collection method: clinical testing. Allele origin: germline.
Comment: the same text as in the submission from Illumina Laboratory Services, Illumina above.

Genetic Services Laboratory, University of Chicago
Classification: Likely benign. Last evaluated: 2016-06-15. Review status: criteria provided, single submitter. Criteria: ACMG Guidelines, 2015. Collection method: clinical testing. Allele origin: germline. Affected: no.

Labcorp Genetics (formerly Invitae), Labcorp
Classification: Benign for Neurofibromatosis, type 1. Last evaluated: 2015-08-16. Review status: criteria provided, single submitter. Criteria: Invitae Variant Classification Sherloc (09022015). Collection method: clinical testing. Allele origin: germline.

Ambry Genetics
Classification: Benign for Hereditary cancer-predisposing syndrome. Last evaluated: 2015-06-28. Review status: criteria provided, single submitter. Criteria: Ambry Autosomal Dominant and X-Linked criteria (10/2015). Collection method: clinical testing. Allele origin: germline. Observed: 1 variant allele.
Comment: Other data supporting benign classification;Other strong data supporting benign classification

Breakthrough Genomics
Classification: Likely benign. Review status: criteria provided, single submitter. Criteria: ACMG Guidelines, 2015. Collection method: not provided. Allele origin: germline. Inheritance: Autosomal dominant inheritance. Affected: yes.

Literature cited by the submitters: PubMed 10678181 (cited by Women's Health and Genetics/Laboratory Corporation of America, LabCorp); PubMed 23460398 (cited by Women's Health and Genetics/Laboratory Corporation of America, LabCorp); PubMed 31422574 (cited by Women's Health and Genetics/Laboratory Corporation of America, LabCorp); PubMed 27069254 (cited by Women's Health and Genetics/Laboratory Corporation of America, LabCorp).